The following is an entry in ClinVar:

ClinVar aggregate classification (germline): Uncertain significance. Review status: criteria provided, multiple submitters, no conflicts (2 of 4 stars). 2 submissions from 2 submitters: Uncertain significance (2). Last evaluated 2022-03-18.

Conditions:
Epidermolysis bullosa simplex 3, localized or generalized intermediate, with BP230 deficiency (EBS3). Also called: Epidermolysis bullosa simplex, autosomal recessive 2; Epidermolysis bullosa simplex due to BP230 deficiency. Identifiers: Orphanet 412181, MedGen C3809470, MONDO:0014180, OMIM 615425.
Hereditary sensory and autonomic neuropathy type 6. Also called: Neuropathy, hereditary sensory and autonomic, type VI; HSAN VI. Identifiers: Orphanet 314381, MedGen C3539003, MONDO:0013839, OMIM 614653.
Inborn genetic diseases. Identifiers: MedGen C0950123, MeSH D030342.

Allele frequency attached by ClinVar (database versions not stated): gnomAD 0.00001; TOPMed 0.00002; gnomAD exomes 0.00003.
gnomAD v4.1: 44 of 1,612,338 alleles (0.0027%); highest among the groups gnomAD compares: Non-Finnish European, 0.0036%; no homozygotes.

Submissions (2):

Labcorp Genetics (formerly Invitae), Labcorp
Classification: Uncertain significance for Epidermolysis bullosa simplex 3, localized or generalized intermediate, with BP230 deficiency; Hereditary sensory and autonomic neuropathy type 6. Last evaluated: 2022-03-18. Review status: criteria provided, single submitter. Criteria: Invitae Variant Classification Sherloc (09022015). Collection method: clinical testing. Allele origin: germline.
Comment: The DST gene has multiple clinically relevant transcripts. This variant occurs in alternate transcript NM_015548.4, and corresponds to NM_001723.5:c.*15432A>G in the primary transcript. This sequence change replaces tyrosine, which is neutral and polar, with cysteine, which is neutral and slightly polar, at codon 1270 of the DST protein (p.Tyr1270Cys). This variant is present in population databases (no rsID available, gnomAD 0.007%). This variant has not been reported in the literature in individuals affected with DST-related conditions. Algorithms developed to predict the effect of sequence changes on RNA splicing suggest that this variant may create or strengthen a splice site. In summary, the available evidence is currently insufficient to determine the role of this variant in disease. Therefore, it has been classified as a Variant of Uncertain Significance.

Ambry Genetics
Classification: Uncertain significance for Inborn genetic diseases. Last evaluated: 2021-01-13. Review status: criteria provided, single submitter. Criteria: Ambry Variant Classification Scheme 2023. Collection method: clinical testing. Allele origin: germline.
Comment: The p.Y1774C variant (also known as c.5321A>G), located in coding exon 39 of the DST gene, results from an A to G substitution at nucleotide position 5321. The tyrosine at codon 1774 is replaced by cysteine, an amino acid with highly dissimilar properties. This amino acid position is well conserved in available vertebrate species. In addition, the in silico prediction for this alteration is inconclusive. Since supporting evidence is limited at this time, the clinical significance of this alteration remains unclear.

NM_001374736.1(DST):c.11678A>G (p.Tyr3893Cys)

Gene: DST (dystonin; minus strand). Cytogenetic location: 6p12.1.
Variant type: single nucleotide variant.
Coding change: c.11678A>G on transcript NM_001374736.1 (MANE Select); coding-DNA position 11678, A replaced by G.
Protein change: p.Tyr3893Cys; replaces tyrosine 3893 with cysteine.
Molecular consequence: missense variant.
Genome position (GRCh38, 1-based): chr6:56,600,085, T>C on the plus strand (A>G on the coding strand, the complement: DST is on the minus strand). VCF-style: chr6-56600085-T-C. GRCh37 (hg19) VCF-style: chr6-56464883-T-C.
Other names: c.5321A>G, p.Tyr1774Cys (NM_001144769.5); c.4907A>G, p.Tyr1636Cys (NM_001144770.2); c.11678A>G, p.Tyr3893Cys (NM_001374722.1); c.11045A>G, p.Tyr3682Cys (NM_001374729.1); c.4787A>G, p.Tyr1596Cys (NM_001374730.1, NM_183380.4); c.11705A>G, p.Tyr3902Cys (NM_001374734.1); c.3809A>G, p.Tyr1270Cys (NM_015548.5); short protein forms Y1774C, Y3682C, Y1596C, Y1636C, Y3893C, Y3902C, Y1270C.
Identifiers: ClinVar variation 971199 (VCV000971199.9), dbSNP rs1276750380, ClinGen allele CA364529474.